The following is an entry in ClinVar:

ClinVar aggregate classification (germline): Uncertain significance. Review status: criteria provided, multiple submitters, no conflicts (2 of 4 stars). 3 submissions from 3 submitters: Uncertain significance (3). Last evaluated 2026-02-03.

Conditions:
Cardiovascular phenotype. Identifiers: MedGen CN230736.

Allele frequency attached by ClinVar (database versions not stated): gnomAD exomes below 0.00001; ExAC 0.00001.
gnomAD v4.1: 4 of 1,613,046 alleles (0.00025%); highest among the groups gnomAD compares: African/African-American, 0.0013%; no homozygotes.

Submissions (3):

Women's Health and Genetics/Laboratory Corporation of America, LabCorp
Classification: Uncertain significance. Last evaluated: 2026-02-03. Review status: criteria provided, single submitter. Criteria: LabCorp Variant Classification Summary - May 2015. Collection method: clinical testing. Allele origin: germline.
Comment: Variant summary: TNXB c.5443G>A (p.Gly1815Arg) results in a non-conservative amino acid change in the encoded protein sequence. Algorithms developed to predict the effect of missense changes on protein structure and function are either unavailable or do not agree on the potential impact of this missense change. The variant allele was found at a frequency of 4e-06 in 247434 control chromosomes. The available data on variant occurrences in the general population are insufficient to allow any conclusion about variant significance. To our knowledge, no occurrence of c.5443G>A in individuals affected with TNXB-related conditions and no experimental evidence demonstrating its impact on protein function have been reported. ClinVar contains an entry for this variant (Variation ID: 1314126). Based on the evidence outlined above, the variant was classified as uncertain significance.

Ambry Genetics
Classification: Uncertain significance for Cardiovascular phenotype. Last evaluated: 2025-03-13. Review status: criteria provided, single submitter. Criteria: Ambry Variant Classification Scheme 2023. Collection method: clinical testing. Allele origin: germline.
Comment: The p.G1815R variant (also known as c.5443G>A), located in coding exon 14 of the TNXB gene, results from a G to A substitution at nucleotide position 5443. The glycine at codon 1815 is replaced by arginine, an amino acid with dissimilar properties. This amino acid position is conserved. In addition, the in silico prediction for this alteration is inconclusive. Based on the available evidence, the clinical significance of this variant remains unclear.

GeneDx
Classification: Uncertain significance. Last evaluated: 2021-02-24. Review status: criteria provided, single submitter. Criteria: GeneDx Variant Classification Process June 2021. Collection method: clinical testing. Allele origin: germline. Affected: yes.
Comment: Has not been previously published as pathogenic or benign to our knowledge; Not observed at a significant frequency in large population cohorts (Lek et al., 2016); In silico analysis supports that this missense variant has a deleterious effect on protein structure/function

NM_001365276.2(TNXB):c.5443G>A (p.Gly1815Arg)

Gene: TNXB (tenascin XB; minus strand). Cytogenetic location: 6p21.33.
Variant type: single nucleotide variant.
Coding change: c.5443G>A on transcript NM_001365276.2 (MANE Select); coding-DNA position 5443, G replaced by A.
Protein change: p.Gly1815Arg; replaces glycine 1815 with arginine.
Molecular consequence: missense variant.
Genome position (GRCh38, 1-based): chr6:32,069,697, C>T on the plus strand (G>A on the coding strand, the complement: TNXB is on the minus strand). VCF-style: chr6-32069697-C-T. GRCh37 (hg19) VCF-style: chr6-32037474-C-T.
Other names: c.5443G>A, p.Gly1815Arg (NM_019105.8); short protein forms G1815R.
Identifiers: ClinVar variation 1314126 (VCV001314126.4), dbSNP rs748727801, ClinGen allele CA3734711.
Genomic context (GRCh38, chr6:32,069,697, plus strand): 5'-CCAGGCCCGGCACGCTGACCTCCCTGAGGCTGCCCTCCACGGGCACCACCTGGGGCTGCC[C>T]GTCCCTGTCTTTGTACTGGACCACAAAGGAGTCAAACTGGCCCTCAGGGACTGTCCAGGA-3'
Protein context (NP_001352205.1, residues 1805-1825): SFVVQYKDRD[Gly1815Arg]QPQVVPVEGS